The following is an entry in ClinVar:

NM_032119.4(ADGRV1):c.1952A>T (p.Glu651Val)

Gene: ADGRV1 (adhesion G protein-coupled receptor V1; plus strand). Cytogenetic location: 5q14.3.
Variant type: single nucleotide variant.
Coding change: c.1952A>T on transcript NM_032119.4 (MANE Select); coding-DNA position 1952, A replaced by T.
Protein change: p.Glu651Val; replaces glutamic acid 651 with valine.
Molecular consequence: missense variant. On other transcripts: non-coding transcript variant (1).
Genome position (GRCh38, 1-based): chr5:90,635,226, A>T. VCF-style: chr5-90635226-A-T. GRCh37 (hg19) VCF-style: chr5-89931043-A-T.
Other names: short protein forms E651V.
Identifiers: ClinVar variation 3604287 (VCV003604287.2).
Genomic context (GRCh38, chr5:90,635,226, plus strand): 5'-CTAGATTTGGGGAAATCTGCAATATTTCTTTACTGGTTACTCCAGCCATTGCAAATGGAG[A>T]AATTGGCTTTCTCAGCAATCTTCCAATTATTTTGCATGAACCAGAAGATTTTGCTGCTGA-3'
Protein context (NP_115495.3, residues 641-661): LLVTPAIANG[Glu651Val]IGFLSNLPII

ClinVar aggregate classification (germline): Uncertain significance (1 of 4 stars; one submission).

gnomAD v4.1: 7 of 1,613,074 alleles (0.00043%); highest among the groups gnomAD compares: Non-Finnish European, 0.00059%; no homozygotes.

Submission:

Labcorp Genetics (formerly Invitae), Labcorp
Classification: Uncertain significance. Last evaluated: 2024-12-07. Review status: criteria provided, single submitter. Criteria: Invitae Variant Classification Sherloc (09022015). Collection method: clinical testing. Allele origin: germline.
Comment: This sequence change replaces glutamic acid, which is acidic and polar, with valine, which is neutral and non-polar, at codon 651 of the ADGRV1 protein (p.Glu651Val). This variant is not present in population databases (gnomAD no frequency). This variant has not been reported in the literature in individuals affected with ADGRV1-related conditions. Invitae Evidence Modeling of protein sequence and biophysical properties (such as structural, functional, and spatial information, amino acid conservation, physicochemical variation, residue mobility, and thermodynamic stability) indicates that this missense variant is not expected to disrupt ADGRV1 protein function with a negative predictive value of 95%. In summary, the available evidence is currently insufficient to determine the role of this variant in disease. Therefore, it has been classified as a Variant of Uncertain Significance.